The following is an entry in ClinVar:

NM_022455.5(NSD1):c.4303-3T>G

Gene: NSD1 (nuclear receptor binding SET domain protein 1; plus strand). Cytogenetic location: 5q35.3.
Variant type: single nucleotide variant.
Coding change: c.4303-3T>G on transcript NM_022455.5 (MANE Select); 3 bases into the intron before coding-DNA position 4303, T replaced by G.
Molecular consequence: intron variant.
Genome position (GRCh38, 1-based): chr5:177,244,192, T>G. VCF-style: chr5-177244192-T-G. GRCh37 (hg19) VCF-style: chr5-176671193-T-G.
Other names: c.4303-3T>G (NM_001409301.1, NM_001409302.1, NM_001409303.1); c.3883-3T>G (NM_001409304.1); c.3550-3T>G (NM_001409305.1); c.3430-3T>G (NM_001409306.1, NM_001409308.1, NM_001409307.1 and 3 more transcripts).
Identifiers: ClinVar variation 2085590 (VCV002085590.4), dbSNP rs2480614303, ClinGen allele CA2580074062.

ClinVar aggregate classification (germline): Pathogenic (1 of 4 stars; one submission).

Submission:

Labcorp Genetics (formerly Invitae), Labcorp
Classification: Pathogenic. Last evaluated: 2022-04-25. Review status: criteria provided, single submitter. Criteria: Invitae Variant Classification Sherloc (09022015). Collection method: clinical testing. Allele origin: germline.
Comment: This variant is not present in population databases (gnomAD no frequency). This sequence change falls in intron 8 of the NSD1 gene. It does not directly change the encoded amino acid sequence of the NSD1 protein. It affects a nucleotide within the consensus splice site. This variant has been observed in individual(s) with clinical features of NSD1-related conditions (Invitae). In at least one individual the variant was observed to be de novo. For these reasons, this variant has been classified as Pathogenic. Variants that disrupt the consensus splice site are a relatively common cause of aberrant splicing (PMID: 17576681, 9536098). Algorithms developed to predict the effect of sequence changes on RNA splicing suggest that this variant may disrupt the consensus splice site.

Literature cited by the submitters: PubMed 17576681; PubMed 9536098.